The following is an entry in ClinVar:

NM_000492.4(CFTR):c.3194T>C (p.Leu1065Pro)

Genes: CFTR (CF transmembrane conductance regulator; plus strand), CFTR-AS2 (CFTR antisense RNA 2; minus strand), LOC111674472 (DNase I hypersensitive sites in introns 16 and 17a of CFTR; plus strand). Cytogenetic location: 7q31.2.
Variant type: single nucleotide variant.
Coding change: c.3194T>C on transcript NM_000492.4 (MANE Select); coding-DNA position 3194, T replaced by C.
Protein change: p.Leu1065Pro; replaces leucine 1065 with proline.
Molecular consequence: missense variant.
Genome position (GRCh38, 1-based): chr7:117,611,635, T>C. VCF-style: chr7-117611635-T-C. GRCh37 (hg19) VCF-style: chr7-117251689-T-C.
Other names: short protein forms L1065P.
Identifiers: ClinVar variation 7208 (VCV000007208.23), dbSNP rs121909036, ClinGen allele CA325596.
Genomic context (GRCh38, chr7:117,611,635, plus strand): 5'-TCACAGGCAGGAGTCCAATTTTCACTCATCTTGTTACAAGCTTAAAAGGACTATGGACAC[T>C]TCGTGCCTTCGGACGGCAGCCTTACTTTGAAACTCTGTTCCACAAAGCTCTGAATTTACA-3'
Protein context (NP_000483.3, residues 1055-1075): LVTSLKGLWT[Leu1065Pro]RAFGRQPYFE

ClinVar aggregate classification (germline): Pathogenic. Review status: reviewed by expert panel (3 of 4 stars). 10 submissions from 10 submitters: Pathogenic (1). 9 of the submissions do not count toward it. Last evaluated 2017-03-17.

Conditions:
CFTR-related disorder (CFTR-RD). Also called: CFTR-related condition; CFTR-related disorders. Identifiers: MedGen C5924204, MONDO:7770004.
Cystic fibrosis (CF). Also called: MUCOVISCIDOSIS. Identifiers: Orphanet 586, MedGen C0010674, MONDO:0009061, OMIM 219700. Disease mechanism: loss of function.
Congenital bilateral aplasia of vas deferens from CFTR mutation (CBAVD). Identifiers: Orphanet 48, MedGen C0403814, MONDO:0010178, OMIM 277180. Disease mechanism: loss of function.

Allele frequency attached by ClinVar (database versions not stated): gnomAD exomes below 0.00001.
gnomAD v4.1: 5 of 1,613,598 alleles (0.00031%); highest among the groups gnomAD compares: Non-Finnish European, 0.00042%; no homozygotes.

Submissions (10):

CFTR2
Classification: Pathogenic for Cystic fibrosis. Last evaluated: 2017-03-17. Review status: reviewed by expert panel. Criteria: Sosnay PR et al. (Nat Genet 2013). Collection method: research. Allele origin: germline. Affected: yes. Study: CFTR2.

Natera, Inc.
Classification: Pathogenic for CFTR-related disorders. Last evaluated: 2025-08-19. Review status: criteria provided, single submitter. Criteria: Natera Variant Classification Schema (03/2026). Collection method: clinical testing. Allele origin: germline. Not counted in ClinVar's aggregate classification.
Comment: The c.3194T>C variant in CFTR is a missense variant predicted to cause substitution of leucine to proline at amino acid 1065. This variant is rare in the general population with a frequency below the threshold expected for the associated phenotype(s). This variant has been observed in one or more individuals affected with the associated recessive disease, as either homozygous or compound heterozygous with a second variant (PMID: 15176679, 7522211, 35574730, 27812499). Computational prediction algorithms indicate this variant is likely to affect gene or protein function. Given the available evidence, this variant is classified as Pathogenic.

Labcorp Genetics (formerly Invitae), Labcorp
Classification: Pathogenic for Cystic fibrosis. Last evaluated: 2024-05-19. Review status: criteria provided, single submitter. Criteria: Invitae Variant Classification Sherloc (09022015). Collection method: clinical testing. Allele origin: germline. Not counted in ClinVar's aggregate classification.
Comment: This sequence change replaces leucine, which is neutral and non-polar, with proline, which is neutral and non-polar, at codon 1065 of the CFTR protein (p.Leu1065Pro). This variant is not present in population databases (gnomAD no frequency). This missense change has been observed in individuals with clinical features of cystic fibrosis (PMID: 7522211, 23613805, 23974870, 25583415). ClinVar contains an entry for this variant (Variation ID: 7208). Advanced modeling of protein sequence and biophysical properties (such as structural, functional, and spatial information, amino acid conservation, physicochemical variation, residue mobility, and thermodynamic stability) performed at Invitae indicates that this missense variant is expected to disrupt CFTR protein function with a positive predictive value of 80%. Experimental studies have shown that this missense change affects CFTR function (PMID: 23974870). This variant disrupts the p.Leu1065 amino acid residue in CFTR. Other variant(s) that disrupt this residue have been determined to be pathogenic (PMID: 9452054). This suggests that this residue is clinically significant, and that variants that disrupt this residue are likely to be disease-causing. For these reasons, this variant has been classified as Pathogenic.

Mayo Clinic Laboratories, Mayo Clinic
Classification: Pathogenic. Last evaluated: 2021-07-14. Review status: criteria provided, single submitter. Criteria: ACMG Guidelines, 2015. Collection method: clinical testing. Allele origin: germline. Not counted in ClinVar's aggregate classification.
Comment: PS3, PM3_strong, PM2, PP3

CFTR-France
Classification: Pathogenic for cystic fibrosis. Last evaluated: 2018-01-29. Review status: criteria provided, single submitter. Criteria: Claustres M et al. (Hum Mutat 2017). Collection method: curation. Allele origin: germline. Affected: yes. Not counted in ClinVar's aggregate classification.

Women's Health and Genetics/Laboratory Corporation of America, LabCorp
Classification: Pathogenic for Cystic fibrosis. Last evaluated: 2017-06-13. Review status: criteria provided, single submitter. Criteria: LabCorp Variant Classification Summary - May 2015. Collection method: clinical testing. Allele origin: germline. Not counted in ClinVar's aggregate classification.
Comment: Variant summary: The CFTR c.3194T>C (p.Leu1065Pro) variant located in the ABC transporter type 1, transmembrane domain (via InterPro) involves the alteration of a conserved nucleotide and 5/5 in silico tools predict a damaging outcome. Functional studies, Van Goor_2013 and Sosnay_2013, indicate the variant eliminates chloride transport. This variant is absent in 119434 control chromosomes (ExAC). Multiple publications have cited the variant in affected individuals, along with multiple clinical diagnostic laboratories/reputable databases classified this variant as pathogenic. Taken together, this variant is classified as pathogenic.

Eurofins Ntd Llc (ga)
Classification: Pathogenic. Last evaluated: 2015-12-16. Review status: criteria provided, single submitter. Criteria: EGL Classification Definitions 2015. Collection method: clinical testing. Allele origin: germline. Observed: 1 variant allele, 1 heterozygote. Not counted in ClinVar's aggregate classification.

Baylor Genetics
Classification: Pathogenic for Congenital bilateral aplasia of vas deferens from CFTR mutation; Cystic fibrosis. Review status: criteria provided, single submitter. Criteria: ACMG Guidelines, 2015. Collection method: clinical testing. Allele origin: germline. Not counted in ClinVar's aggregate classification.

Counsyl
Classification: Pathogenic for Cystic fibrosis. Last evaluated: 2016-01-20. Review status: no assertion criteria provided. Collection method: clinical testing. Allele origin: unknown. Not counted in ClinVar's aggregate classification.

OMIM
Classification: Pathogenic for CYSTIC FIBROSIS. Last evaluated: 1994-05-15. Review status: no assertion criteria provided. Collection method: literature only. Allele origin: germline. Not counted in ClinVar's aggregate classification.

Literature cited by the submitters: PubMed 15176679 (cited by Natera, Inc.); PubMed 7522211 (cited by 4 submitters); PubMed 35574730 (cited by Natera, Inc.); PubMed 27812499 (cited by Natera, Inc.); PubMed 23613805 (cited by Labcorp Genetics (formerly Invitae), Labcorp); PubMed 23974870 (cited by 4 submitters); PubMed 25583415 (cited by Labcorp Genetics (formerly Invitae), Labcorp); PubMed 9452054 (cited by Labcorp Genetics (formerly Invitae), Labcorp); PubMed 18456578 (cited by Mayo Clinic Laboratories, Mayo Clinic); PubMed 23891399 (cited by Mayo Clinic Laboratories, Mayo Clinic and Women's Health and Genetics/Laboratory Corporation of America, LabCorp); PubMed 28603918 (cited by Mayo Clinic Laboratories, Mayo Clinic).